The following is an entry in ClinVar:

NM_001170629.2(CHD8):c.5326C>T (p.Arg1776Ter)

Gene: CHD8 (chromodomain helicase DNA binding protein 8; minus strand). Cytogenetic location: 14q11.2.
Variant type: single nucleotide variant.
Coding change: c.5326C>T on transcript NM_001170629.2 (MANE Select); coding-DNA position 5326, C replaced by T.
Protein change: p.Arg1776Ter; replaces arginine 1776 with a stop codon.
Molecular consequence: nonsense.
Genome position (GRCh38, 1-based): chr14:21,394,976, G>A on the plus strand (C>T on the coding strand, the complement: CHD8 is on the minus strand). VCF-style: chr14-21394976-G-A. GRCh37 (hg19) VCF-style: chr14-21863135-G-A.
Other names: c.4489C>T, p.Arg1497Ter (NM_020920.4); short protein forms R1497*, R1776*.
Identifiers: ClinVar variation 426778 (VCV000426778.33), dbSNP rs1085307794, ClinGen allele CA388884010.
Genomic context (GRCh38, chr14:21,394,976, plus strand): 5'-GTTGTTTCTCCCGCCGTGCAATTTCTTTCAGCTTGAAGGCTGCTTCACAACGCCGCCTTC[G>A]CCGGTCCCCACGTTCTGCAGCCTCTATCTTCATTTGTTCTCTCTTGTAGCTGCGCTGATA-3'

ClinVar aggregate classification (germline): Pathogenic/Likely pathogenic. Review status: criteria provided, multiple submitters, no conflicts (2 of 4 stars). 5 submissions from 5 submitters: Pathogenic (2); Likely pathogenic (3). Last evaluated 2025-10-22.

Conditions:
CHD8-related disorder. Also called: CHD8-related condition; CHD8-related disorders.
Intellectual developmental disorder with autism and macrocephaly. Also called: CHD8-Related Neurodevelopmental Disorder with Overgrowth; Autism, susceptibility to, 18. Identifiers: Orphanet 642675, MedGen C3554373, MONDO:0014017, OMIM 615032.

Allele frequency attached by ClinVar (database versions not stated): gnomAD exomes below 0.00001.
gnomAD v4.1: 1 of 1,613,976 alleles (0.000062%); highest among the groups gnomAD compares: Non-Finnish European, 0.000085%; no homozygotes.

Submissions (5):

Clinical Genetics Laboratory, Skane University Hospital Lund
Classification: Pathogenic for Intellectual developmental disorder with autism and macrocephaly. Last evaluated: 2025-10-22. Review status: criteria provided, single submitter. Criteria: ACMG Guidelines, 2015. Collection method: clinical testing. Allele origin: de novo. Inheritance: Autosomal dominant inheritance. Affected: yes.
Comment: PVS1, PS2, PS4_Moderate and PM2.

Blueprint Genetics
Classification: Likely pathogenic for CHD8-related disorders. Last evaluated: 2023-11-28. Review status: criteria provided, single submitter. Criteria: ACMG Guidelines, 2015. Collection method: clinical testing. Allele origin: germline. Affected: yes. Observed: 1 variant allele.

Greenwood Genetic Center Diagnostic Laboratories, Greenwood Genetic Center
Classification: Likely pathogenic for Intellectual developmental disorder with autism and macrocephaly. Last evaluated: 2023-10-06. Review status: criteria provided, single submitter. Criteria: ACMG Guidelines, 2015. Collection method: clinical testing. Allele origin: germline. Affected: yes.
Comment: PVS1, PM2

CeGaT Center for Human Genetics Tuebingen
Classification: Pathogenic. Last evaluated: 2022-10-01. Review status: criteria provided, single submitter. Criteria: CeGaT Center For Human Genetics Tuebingen Variant Classification Criteria Version 2. Collection method: clinical testing. Allele origin: germline. Affected: yes. Observed: 1 variant allele.
Comment: CHD8: PVS1, PM2

GeneDx
Classification: Likely pathogenic. Last evaluated: 2017-04-04. Review status: criteria provided, single submitter. Criteria: GeneDx Variant Classification (06012015). Collection method: clinical testing. Allele origin: germline. Affected: yes.
Comment: The R1776X variant in the CHD8 gene has not been reported previously as a pathogenic variant nor as a benign variant, to our knowledge. This variant is predicted to cause loss of normal protein function either through protein truncation or nonsense-mediated mRNA decay. The R1776X variant is not observed in large population cohorts (Lek et al., 2016; 1000 Genomes Consortium et al., 2015; Exome Variant Server). Therefore, we interpret R1776X as a likely pathogenic variant.